The following is an entry in ClinVar:

NM_013275.6(ANKRD11):c.1825A>G (p.Ser609Gly)

Gene: ANKRD11 (ankyrin repeat domain 11; minus strand). Cytogenetic location: 16q24.3.
Variant type: single nucleotide variant.
Coding change: c.1825A>G on transcript NM_013275.6 (MANE Select); coding-DNA position 1825, A replaced by G.
Protein change: p.Ser609Gly; replaces serine 609 with glycine.
Molecular consequence: missense variant.
Genome position (GRCh38, 1-based): chr16:89,284,717, T>C on the plus strand (A>G on the coding strand, the complement: ANKRD11 is on the minus strand). VCF-style: chr16-89284717-T-C. GRCh37 (hg19) VCF-style: chr16-89351125-T-C.
Other names: c.1825A>G, p.Ser609Gly (NM_001256182.2, NM_001256183.2); c.1825A>G (NM_013275.5); short protein forms S609G.
Identifiers: ClinVar variation 2593387 (VCV002593387.9), dbSNP rs141168665, ClinGen allele CA8242686.

ClinVar aggregate classification (germline): Conflicting classifications of pathogenicity. Review status: criteria provided, conflicting classifications (1 of 4 stars). 5 submissions from 5 submitters: Uncertain significance (2); Likely benign (2). 1 of the submissions does not count toward it. Last evaluated 2025-06-08.

Conditions:
KBG syndrome (KBGS). Also called: ANKRD11-Related KBG Syndrome. Identifiers: Orphanet 2332, MedGen C0220687, MONDO:0007846, OMIM 148050.
Inborn genetic diseases. Identifiers: MedGen C0950123, MeSH D030342.
ANKRD11-related disorder. Also called: ANKRD11-related condition.

Allele frequency attached by ClinVar (database versions not stated): TOPMed 0.00005; ExAC 0.00006; gnomAD 0.00006; ESP Exome Variant Server 0.00008; gnomAD exomes 0.00012.
gnomAD v4.1: 197 of 1,613,556 alleles (0.012%); highest among the groups gnomAD compares: Non-Finnish European, 0.015%; no homozygotes.

Submissions (5):

Labcorp Genetics (formerly Invitae), Labcorp
Classification: Uncertain significance for KBG syndrome. Last evaluated: 2025-06-08. Review status: criteria provided, single submitter. Criteria: Invitae Variant Classification Sherloc (09022015). Collection method: clinical testing. Allele origin: germline.
Comment: This sequence change replaces serine, which is neutral and polar, with glycine, which is neutral and non-polar, at codon 609 of the ANKRD11 protein (p.Ser609Gly). This variant is present in population databases (rs141168665, gnomAD 0.02%). This variant has not been reported in the literature in individuals affected with ANKRD11-related conditions. ClinVar contains an entry for this variant (Variation ID: 2593387). Invitae Evidence Modeling of protein sequence and biophysical properties (such as structural, functional, and spatial information, amino acid conservation, physicochemical variation, residue mobility, and thermodynamic stability) indicates that this missense variant is not expected to disrupt ANKRD11 protein function with a negative predictive value of 95%. In summary, the available evidence is currently insufficient to determine the role of this variant in disease. Therefore, it has been classified as a Variant of Uncertain Significance.

Women's Health and Genetics/Laboratory Corporation of America, LabCorp
Classification: Uncertain significance. Last evaluated: 2025-03-04. Review status: criteria provided, single submitter. Criteria: LabCorp Variant Classification Summary - May 2015. Collection method: clinical testing. Allele origin: germline.
Comment: Variant summary: ANKRD11 c.1825A>G (p.Ser609Gly) results in a non-conservative amino acid change in the encoded protein sequence. Four of five in-silico tools predict a benign effect of the variant on protein function. The variant allele was found at a frequency of 6.8e-05 in 250070 control chromosomes. This frequency is not significantly higher than estimated for a pathogenic variant in ANKRD11 causing KBG Syndrome, allowing no conclusion about variant significance. To our knowledge, no occurrence of c.1825A>G in individuals affected with KBG Syndrome and no experimental evidence demonstrating its impact on protein function have been reported. ClinVar contains an entry for this variant (Variation ID: 2593387). Based on the evidence outlined above, the variant was classified as uncertain significance.

Blueprint Genetics
Classification: Likely benign. Last evaluated: 2024-05-27. Review status: criteria provided, single submitter. Criteria: ACMG Guidelines, 2015. Collection method: clinical testing. Allele origin: germline.

Ambry Genetics
Classification: Likely benign for Inborn genetic diseases. Last evaluated: 2023-08-08. Review status: criteria provided, single submitter. Criteria: Ambry Variant Classification Scheme 2023. Collection method: clinical testing. Allele origin: germline.

PreventionGenetics, part of Exact Sciences
Classification: Likely benign for ANKRD11-related condition. Last evaluated: 2023-08-18. Review status: no assertion criteria provided. Collection method: clinical testing. Allele origin: germline. Not counted in ClinVar's aggregate classification.
Comment: This variant is classified as likely benign based on ACMG/AMP sequence variant interpretation guidelines (Richards et al. 2015 PMID: 25741868, with internal and published modifications).